The following is an entry in ClinVar:

ClinVar aggregate classification (germline): Conflicting classifications of pathogenicity. Review status: criteria provided, conflicting classifications (1 of 4 stars). 2 submissions from 2 submitters: Likely pathogenic (1); Uncertain significance (1). Last evaluated 2022-07-11.

Conditions:
CSPP1-related disorder. Also called: CSPP1-related condition.
Joubert syndrome 21 (JBTS21). Identifiers: MedGen C3810212, MONDO:0014288, OMIM 615636.

Allele frequency attached by ClinVar (database versions not stated): TOPMed below 0.00001; gnomAD exomes 0.00001.
gnomAD v4.1: 7 of 1,443,190 alleles (0.00049%); highest among the groups gnomAD compares: Non-Finnish European, 0.00068%; no homozygotes.

Submissions (2):

Labcorp Genetics (formerly Invitae), Labcorp
Classification: Uncertain significance for Joubert syndrome 21. Last evaluated: 2022-07-11. Review status: criteria provided, single submitter. Criteria: Invitae Variant Classification Sherloc (09022015). Collection method: clinical testing. Allele origin: germline.
Comment: This sequence change falls in intron 22 of the CSPP1 gene. It does not directly change the encoded amino acid sequence of the CSPP1 protein. It affects a nucleotide within the consensus splice site. This variant is not present in population databases (gnomAD no frequency). In summary, the available evidence is currently insufficient to determine the role of this variant in disease. Therefore, it has been classified as a Variant of Uncertain Significance. Variants that disrupt the consensus splice site are a relatively common cause of aberrant splicing (PMID: 17576681, 9536098). Experimental studies and prediction algorithms are not available or were not evaluated, and the effect of this variant on mRNA splicing is currently unknown. ClinVar contains an entry for this variant (Variation ID: 1024128). This variant has not been reported in the literature in individuals affected with CSPP1-related conditions.

Blueprint Genetics
Classification: Likely pathogenic for CSPP1-related disorders. Last evaluated: 2019-12-27. Review status: criteria provided, single submitter. Criteria: ACMG Guidelines, 2015. Collection method: clinical testing. Allele origin: germline. Affected: yes. Observed: 1 variant allele.

Literature cited by the submitters: PubMed 17576681 (cited by Labcorp Genetics (formerly Invitae), Labcorp); PubMed 9536098 (cited by Labcorp Genetics (formerly Invitae), Labcorp).

NM_001382391.1(CSPP1):c.2828+2C>T

Gene: CSPP1 (centrosome and spindle pole associated protein 1; plus strand). Cytogenetic location: 8q13.2.
Variant type: single nucleotide variant.
Coding change: c.2828+2C>T on transcript NM_001382391.1 (MANE Select); the canonical splice donor site of the intron after coding-DNA position 2828, C replaced by T.
Molecular consequence: splice donor variant.
Genome position (GRCh38, 1-based): chr8:67,164,510, C>T. VCF-style: chr8-67164510-C-T. GRCh37 (hg19) VCF-style: chr8-68076745-C-T.
Other names: c.2633+2C>T (NM_001363132.2); c.2747+2C>T (NM_001363131.2); c.2552+2C>T (NM_001363133.2); c.2894+2C>T (NM_001364869.1); c.2813+2C>T (NM_024790.7, NM_001438331.1); c.2660+2C>T (NM_001438330.1); c.2714+2C>T (NM_001364870.1); c.2129+2C>T (NM_001438332.1); and 1 more.
Identifiers: ClinVar variation 1024128 (VCV001024128.10), dbSNP rs1828946939, ClinGen allele CA371193577.
Genomic context (GRCh38, chr8:67,164,510, plus strand): 5'-GAGAGGCGTCTACAAGAGCGATTGCTACACATGGACAGTGATGATGAAATTCCTATCAGG[C>T]AAGTTTAGAATTGCAGTTTTTGTGTTCGCTTGAGTTCTTTTATCTTACTTCACCTATCCA-3'